The following is an entry in ClinVar:

NM_001142800.2(EYS):c.7184T>G (p.Val2395Gly)

Gene: EYS (eyes shut homolog; minus strand). Cytogenetic location: 6q12.
Variant type: single nucleotide variant.
Coding change: c.7184T>G on transcript NM_001142800.2 (MANE Select); coding-DNA position 7184, T replaced by G.
Protein change: p.Val2395Gly; replaces valine 2395 with glycine.
Molecular consequence: missense variant.
Genome position (GRCh38, 1-based): chr6:63,864,230, A>C on the plus strand (T>G on the coding strand, the complement: EYS is on the minus strand). VCF-style: chr6-63864230-A-C. GRCh37 (hg19) VCF-style: chr6-64574123-A-C.
Other names: c.7184T>G, p.Val2395Gly (NM_001292009.2); short protein forms V2395G.
Identifiers: ClinVar variation 1425001 (VCV001425001.5), dbSNP rs1389763357, ClinGen allele CA364386327.
Genomic context (GRCh38, chr6:63,864,230, plus strand): 5'-AATCAAATGCTCTTACCATCAGTGCAGAGGGGTCCAGACCTCCCATATGGGCAGAGGCAG[A>C]CAATATCTGTTCCGGATTTTGGAACACAGGTGGCACCATTTCCACATGGGTTGTTTTCAC-3'
Protein context (NP_001136272.1, residues 2385-2405): TCVPKSGTDI[Val2395Gly]CLCPYGRSGP

ClinVar aggregate classification (germline): Uncertain significance (1 of 4 stars; one submission).

gnomAD v4.1: 2 of 1,550,512 alleles (0.00013%); highest among the groups gnomAD compares: Non-Finnish European, 0.00017%; no homozygotes.

Submission:

Labcorp Genetics (formerly Invitae), Labcorp
Classification: Uncertain significance. Last evaluated: 2022-02-24. Review status: criteria provided, single submitter. Criteria: Invitae Variant Classification Sherloc (09022015). Collection method: clinical testing. Allele origin: germline.
Comment: This sequence change replaces valine, which is neutral and non-polar, with glycine, which is neutral and non-polar, at codon 2395 of the EYS protein (p.Val2395Gly). This variant is not present in population databases (gnomAD no frequency). This variant has not been reported in the literature in individuals affected with EYS-related conditions. Algorithms developed to predict the effect of missense changes on protein structure and function (SIFT, PolyPhen-2, Align-GVGD) all suggest that this variant is likely to be disruptive. In summary, the available evidence is currently insufficient to determine the role of this variant in disease. Therefore, it has been classified as a Variant of Uncertain Significance.